The following is an entry in ClinVar:

NM_001048166.1(STIL):c.2488_2489del (p.Asp830fs)

Gene: STIL (STIL centriolar assembly protein; minus strand). Cytogenetic location: 1p33.
Variant type: Deletion.
Coding change: c.2488_2489del on transcript NM_001048166.1 (MANE Select); coding-DNA positions 2488 to 2489, 2 bases deleted (GA; older notation c.2488_2489delGA).
Protein change: p.Asp830fs; shifts the reading frame from aspartic acid 830.
Molecular consequence: frameshift variant.
Genome position (GRCh38, 1-based): chr1:47,269,761-47,269,762, TC deleted on the plus strand (GA on the coding strand, the reverse complement: STIL is on the minus strand). VCF-style (leftmost placement, unchanged base first): chr1-47269760-ATC-A. GRCh37 (hg19) VCF-style: chr1-47735432-ATC-A.
Other names: c.2488_2489del, p.Asp830fs (NM_001282936.1, NM_001282937.1, NM_003035.2); c.2347_2348del, p.Asp783fs (NM_001282938.1, NM_001282939.1, NM_001377417.1); short protein forms D783fs, D830fs.
Identifiers: ClinVar variation 1705699 (VCV001705699.1), dbSNP rs2523341350, ClinGen allele CA2580062962.

ClinVar aggregate classification (germline): Likely pathogenic (1 of 4 stars; one submission).

Conditions:
Microcephaly 7, primary, autosomal recessive. Identifiers: Orphanet 2512, MedGen C2675187, MONDO:0012989, OMIM 612703.

Submission:

3billion
Classification: Likely pathogenic for Microcephaly 7, primary, autosomal recessive. Last evaluated: 2022-09-01. Review status: criteria provided, single submitter. Criteria: ACMG Guidelines, 2015. Collection method: clinical testing. Allele origin: germline. Affected: yes. Observed: 1 heterozygote.
Comment: The variant is not observed in the gnomAD v2.1.1 dataset. Frameshift variant is predicted to result in a loss or disruption of normal protein function through nonsense-mediated decay (NMD) or protein truncation. Multiple pathogenic variants are reported downstream of the variant. Therefore, this variant is classified as Likely pathogenic according to the recommendation of ACMG/AMP guideline.